The following is an entry in ClinVar:

ClinVar aggregate classification (germline): Uncertain significance. Review status: criteria provided, multiple submitters, no conflicts (2 of 4 stars). 2 submissions from 2 submitters: Uncertain significance (2). Last evaluated 2024-06-28.

Allele frequency attached by ClinVar (database versions not stated): TOPMed below 0.00001.
gnomAD v4.1: 2 of 1,614,230 alleles (0.00012%); highest among the groups gnomAD compares: Non-Finnish European, 0.00017%; no homozygotes.

Submissions (2):

Labcorp Genetics (formerly Invitae), Labcorp
Classification: Uncertain significance. Last evaluated: 2024-06-28. Review status: criteria provided, single submitter. Criteria: Invitae Variant Classification Sherloc (09022015). Collection method: clinical testing. Allele origin: germline.
Comment: This sequence change replaces alanine, which is neutral and non-polar, with valine, which is neutral and non-polar, at codon 1183 of the A2ML1 protein (p.Ala1183Val). This variant is not present in population databases (gnomAD no frequency). This variant has not been reported in the literature in individuals affected with A2ML1-related conditions. ClinVar contains an entry for this variant (Variation ID: 1732536). An algorithm developed to predict the effect of missense changes on protein structure and function (PolyPhen-2) suggests that this variant is likely to be tolerated. In summary, the available evidence is currently insufficient to determine the role of this variant in disease. Therefore, it has been classified as a Variant of Uncertain Significance.

Ambry Genetics
Classification: Uncertain significance. Last evaluated: 2022-06-14. Review status: criteria provided, single submitter. Criteria: Ambry Variant Classification Scheme 2023. Collection method: clinical testing. Allele origin: germline.
Comment: The p.A1183V variant (also known as c.3548C>T), located in coding exon 29 of the A2ML1 gene, results from a C to T substitution at nucleotide position 3548. The alanine at codon 1183 is replaced by valine, an amino acid with similar properties. This amino acid position is conserved. In addition, this alteration is predicted to be tolerated by in silico analysis. Since supporting evidence is limited at this time, the clinical significance of this alteration remains unclear.

NM_144670.6(A2ML1):c.3548C>T (p.Ala1183Val)

Gene: A2ML1 (alpha-2-macroglobulin like 1; plus strand). Cytogenetic location: 12p13.31.
Variant type: single nucleotide variant.
Coding change: c.3548C>T on transcript NM_144670.6 (MANE Select); coding-DNA position 3548, C replaced by T.
Protein change: p.Ala1183Val; replaces alanine 1183 with valine.
Molecular consequence: missense variant.
Genome position (GRCh38, 1-based): chr12:8,863,839, C>T. VCF-style: chr12-8863839-C-T. GRCh37 (hg19) VCF-style: chr12-9016435-C-T.
Other names: c.2075C>T, p.Ala692Val (NM_001282424.3); short protein forms A692V, A1183V.
Identifiers: ClinVar variation 1732536 (VCV001732536.4), dbSNP rs1944350710, ClinGen allele CA383841882.